The following is an entry in ClinVar:

ClinVar aggregate classification (germline): Likely benign (1 of 4 stars; one submission).

Conditions:
SH2B1-related disorder. Also called: SH2B1-related condition.

Allele frequency attached by ClinVar (database versions not stated): gnomAD exomes 0.00001.

Submission:

PreventionGenetics, part of Exact Sciences
Classification: Likely benign for SH2B1-related condition. Last evaluated: 2026-08-19. Review status: criteria provided, single submitter. Criteria: ACMG Guidelines, 2015. Collection method: clinical testing. Allele origin: germline.
Comment: This variant is classified as likely benign based on ACMG/AMP sequence variant interpretation guidelines (Richards et al. 2015 PMID: 25741868, with internal and published modifications).

NM_001387430.1(SH2B1):c.2169G>A (p.Ala723=)

Gene: SH2B1 (SH2B adaptor protein 1; plus strand). Cytogenetic location: 16p11.2.
Variant type: single nucleotide variant.
Coding change: c.2169G>A on transcript NM_001387430.1 (MANE Select); coding-DNA position 2169, G replaced by A.
Protein change: p.Ala723=; no amino-acid change (alanine 723 retained).
Molecular consequence: synonymous variant. On other transcripts: 3 prime UTR variant (5).
Genome position (GRCh38, 1-based): chr16:28,873,718, G>A. VCF-style: chr16-28873718-G-A. GRCh37 (hg19) VCF-style: chr16-28885039-G-A.
Other names: c.2169G>A, p.Ala723= (NM_001145795.2, NM_001308293.2, NM_001387404.1); c.*253G>A (NM_001145796.2, NM_001145812.2, NM_001308294.2 and 1 more transcripts); c.*270G>A (NM_001145797.2).
Identifiers: ClinVar variation 2636354 (VCV002636354.2), dbSNP rs769545905, ClinGen allele CA279223696.
Genomic context (GRCh38, chr16:28,873,718, plus strand): 5'-ATTGGAAGAGGCCATAGCCCCAGGCTCAGAGGCCCAGGGCGCTGGGTCTGGTGGGGACGC[G>A]GGGGTGCCCCCAATGGTGCAGCTGCAGCAGTCACCACTAGGGGGTGATGGAGAGGAAGGG-3'
Protein context (NP_001374359.1, residues 713-733): EAQGAGSGGD[Ala723=]GVPPMVQLQQ